The following is an entry in ClinVar:

NM_007289.4(MME):c.1318-3G>A

Gene: MME (membrane metalloendopeptidase; plus strand). Cytogenetic location: 3q25.2.
Variant type: single nucleotide variant.
Coding change: c.1318-3G>A on transcript NM_007289.4 (MANE Select); 3 bases into the intron before coding-DNA position 1318, G replaced by A.
Molecular consequence: intron variant.
Genome position (GRCh38, 1-based): chr3:155,144,356, G>A. VCF-style: chr3-155144356-G-A. GRCh37 (hg19) VCF-style: chr3-154862145-G-A.
Other names: c.1318-3G>A (NM_001354642.2, NM_000902.5, NM_007287.4 and 2 more transcripts).
Identifiers: ClinVar variation 1356153 (VCV001356153.3), dbSNP rs199864947, ClinGen allele CA85830525.

ClinVar aggregate classification (germline): Uncertain significance (1 of 4 stars; one submission).

Allele frequency attached by ClinVar (database versions not stated): gnomAD exomes 0.00001 and 0.00002; TOPMed 0.00001; gnomAD 0.00002; ESP Exome Variant Server 0.00008.
gnomAD v4.1: 27 of 1,602,312 alleles (0.0017%); highest among the groups gnomAD compares: Non-Finnish European, 0.0022%; no homozygotes.

Submission:

Labcorp Genetics (formerly Invitae), Labcorp
Classification: Uncertain significance. Last evaluated: 2022-06-01. Review status: criteria provided, single submitter. Criteria: Invitae Variant Classification Sherloc (09022015). Collection method: clinical testing. Allele origin: germline.
Comment: This sequence change falls in intron 13 of the MME gene. It does not directly change the encoded amino acid sequence of the MME protein. It affects a nucleotide within the consensus splice site. This variant is present in population databases (rs199864947, gnomAD 0.002%). This variant has not been reported in the literature in individuals affected with MME-related conditions. ClinVar contains an entry for this variant (Variation ID: 1356153). Variants that disrupt the consensus splice site are a relatively common cause of aberrant splicing (PMID: 17576681, 9536098). Algorithms developed to predict the effect of sequence changes on RNA splicing suggest that this variant is not likely to affect RNA splicing. In summary, the available evidence is currently insufficient to determine the role of this variant in disease. Therefore, it has been classified as a Variant of Uncertain Significance.

Literature cited by the submitters: PubMed 17576681; PubMed 9536098.